The following is an entry in ClinVar:

NM_201253.3(CRB1):c.1447G>C (p.Ala483Pro)

Gene: CRB1 (crumbs cell polarity complex component 1; plus strand). Cytogenetic location: 1q31.3.
Variant type: single nucleotide variant.
Coding change: c.1447G>C on transcript NM_201253.3 (MANE Select); coding-DNA position 1447, G replaced by C.
Protein change: p.Ala483Pro; replaces alanine 483 with proline.
Molecular consequence: missense variant. On other transcripts: non-coding transcript variant (2).
Genome position (GRCh38, 1-based): chr1:197,421,275, G>C. VCF-style: chr1-197421275-G-C. GRCh37 (hg19) VCF-style: chr1-197390405-G-C.
Other names: c.1111G>C, p.Ala371Pro (NM_001193640.2); c.1240G>C, p.Ala414Pro (NM_001257965.2); c.1447G>C, p.Ala483Pro (NM_001257966.2); short protein forms A414P, A483P, A371P.
Identifiers: ClinVar variation 2152869 (VCV002152869.2), dbSNP rs146120995, ClinGen allele CA35893511.

ClinVar aggregate classification (germline): Uncertain significance. Review status: criteria provided, multiple submitters, no conflicts (2 of 4 stars). 2 submissions from 2 submitters: Uncertain significance (2). Last evaluated 2024-09-18.

Conditions:
Retinitis pigmentosa 12 (RP12). Also called: RP WITH OR WITHOUT PRESERVED PARAARTERIOLE RETINAL PIGMENT EPITHELIUM; RETINITIS PIGMENTOSA WITH OR WITHOUT PARAARTERIOLAR PRESERVATION OF RETINAL PIGMENT EPITHELIUM; RP WITH OR WITHOUT PPRPE. Identifiers: Orphanet 791, MedGen C1838647, MONDO:0010818, OMIM 600105.
Leber congenital amaurosis 8 (LCA8). Identifiers: Orphanet 65, MedGen C3151202, MONDO:0013453, OMIM 613835.

gnomAD v4.1: 8 of 1,613,984 alleles (0.0005%); highest among the groups gnomAD compares: Admixed American, 0.0033%; no homozygotes.

Submissions (2):

Blueprint Genetics
Classification: Uncertain significance. Last evaluated: 2024-09-18. Review status: criteria provided, single submitter. Criteria: ACMG Guidelines, 2015. Collection method: clinical testing. Allele origin: germline.

Labcorp Genetics (formerly Invitae), Labcorp
Classification: Uncertain significance for Leber congenital amaurosis 8; Retinitis pigmentosa 12. Last evaluated: 2022-07-26. Review status: criteria provided, single submitter. Criteria: Invitae Variant Classification Sherloc (09022015). Collection method: clinical testing. Allele origin: germline.
Comment: This sequence change replaces alanine, which is neutral and non-polar, with proline, which is neutral and non-polar, at codon 483 of the CRB1 protein (p.Ala483Pro). The frequency data for this variant in the population databases is considered unreliable, as metrics indicate poor data quality at this position in the gnomAD database. This variant has not been reported in the literature in individuals affected with CRB1-related conditions. Advanced modeling of protein sequence and biophysical properties (such as structural, functional, and spatial information, amino acid conservation, physicochemical variation, residue mobility, and thermodynamic stability) performed at Invitae indicates that this missense variant is not expected to disrupt CRB1 protein function. In summary, the available evidence is currently insufficient to determine the role of this variant in disease. Therefore, it has been classified as a Variant of Uncertain Significance.